The following is an entry in ClinVar:

ClinVar aggregate classification (germline): Uncertain significance (1 of 4 stars; one submission).

Submission:

GeneDx
Classification: Uncertain significance. Last evaluated: 2023-06-15. Review status: criteria provided, single submitter. Criteria: GeneDx Variant Classification Process June 2021. Collection method: clinical testing. Allele origin: germline. Affected: yes.
Comment: Not observed at significant frequency in large population cohorts (gnomAD); In silico analysis supports that this missense variant does not alter protein structure/function; Has not been previously published as pathogenic or benign to our knowledge

NM_001394062.1(MACF1):c.3345T>A (p.His1115Gln)

Gene: MACF1 (microtubule actin crosslinking factor 1; plus strand). Cytogenetic location: 1p34.3.
Variant type: single nucleotide variant.
Coding change: c.3345T>A on transcript NM_001394062.1 (MANE Select); coding-DNA position 3345, T replaced by A.
Protein change: p.His1115Gln; replaces histidine 1115 with glutamine.
Molecular consequence: missense variant.
Genome position (GRCh38, 1-based): chr1:39,315,587, T>A. VCF-style: chr1-39315587-T-A. GRCh37 (hg19) VCF-style: chr1-39781259-T-A.
Other names: c.3360T>A, p.His1120Gln (NM_012090.5); short protein forms H1115Q, H1120Q.
Identifiers: ClinVar variation 3359788 (VCV003359788.1).